The following is an entry in ClinVar:

ClinVar aggregate classification (germline): Benign/Likely benign. Review status: criteria provided, multiple submitters, no conflicts (2 of 4 stars). 4 submissions from 4 submitters: Benign (2); Likely benign (1). 1 of the submissions does not count toward it. Last evaluated 2025-12-16.

Conditions:
SORL1-related disorder. Also called: SORL1-related condition.

Allele frequency attached by ClinVar (database versions not stated): ESP Exome Variant Server 0.00015; gnomAD exomes 0.00025 and 0.00112; gnomAD 0.00032 and 0.00039; TOPMed 0.00059; ExAC 0.00104; 1000 Genomes Project 30x 0.00141; 1000 Genomes Project 0.00180.
gnomAD v4.1: 472 of 1,614,074 alleles (0.029%); highest among the groups gnomAD compares: East Asian, 0.82%; 2 homozygotes.

Submissions (4):

Labcorp Genetics (formerly Invitae), Labcorp
Classification: Benign. Last evaluated: 2025-12-16. Review status: criteria provided, single submitter. Criteria: Invitae Variant Classification Sherloc (09022015). Collection method: clinical testing. Allele origin: germline.

Blueprint Genetics
Classification: Likely benign. Last evaluated: 2024-11-27. Review status: criteria provided, single submitter. Criteria: ACMG Guidelines, 2015. Collection method: clinical testing. Allele origin: germline.

Breakthrough Genomics
Classification: Benign. Review status: criteria provided, single submitter. Criteria: ACMG Guidelines, 2015. Collection method: not provided. Allele origin: germline. Inheritance: Unknown mechanism. Affected: yes.

PreventionGenetics, part of Exact Sciences
Classification: Likely benign for SORL1-related condition. Last evaluated: 2022-05-31. Review status: no assertion criteria provided. Collection method: clinical testing. Allele origin: germline. Not counted in ClinVar's aggregate classification.
Comment: This variant is classified as likely benign based on ACMG/AMP sequence variant interpretation guidelines (Richards et al. 2015 PMID: 25741868, with internal and published modifications).

NM_003105.6(SORL1):c.4447A>G (p.Thr1483Ala)

Genes: SORL1 (sortilin related receptor 1; plus strand), LOC126861368 (P300/CBP strongly-dependent group 1 enhancer GRCh37_chr11:121465964-121467163; plus strand). Cytogenetic location: 11q24.1.
Variant type: single nucleotide variant.
Coding change: c.4447A>G on transcript NM_003105.6 (MANE Select); coding-DNA position 4447, A replaced by G.
Protein change: p.Thr1483Ala; replaces threonine 1483 with alanine.
Molecular consequence: missense variant.
Genome position (GRCh38, 1-based): chr11:121,595,700, A>G. VCF-style: chr11-121595700-A-G. GRCh37 (hg19) VCF-style: chr11-121466409-A-G.
Other names: short protein forms T1483A.
Identifiers: ClinVar variation 761546 (VCV000761546.15), dbSNP rs143286467, ClinGen allele CA6329629.